The following is an entry in ClinVar:

NM_003470.3(USP7):c.2837G>C (p.Ser946Thr)

Gene: USP7 (ubiquitin specific peptidase 7; minus strand). Cytogenetic location: 16p13.2.
Variant type: single nucleotide variant.
Coding change: c.2837G>C on transcript NM_003470.3 (MANE Select); coding-DNA position 2837, G replaced by C.
Protein change: p.Ser946Thr; replaces serine 946 with threonine.
Molecular consequence: missense variant. On other transcripts: non-coding transcript variant (1).
Genome position (GRCh38, 1-based): chr16:8,895,724, C>G on the plus strand (G>C on the coding strand, the complement: USP7 is on the minus strand). VCF-style: chr16-8895724-C-G. GRCh37 (hg19) VCF-style: chr16-8989581-C-G.
Other names: c.2789G>C, p.Ser930Thr (NM_001286457.2); c.2540G>C, p.Ser847Thr (NM_001286458.2); c.2663G>C, p.Ser888Thr (NM_001321858.2); short protein forms S847T, S888T, S930T, S946T.
Identifiers: ClinVar variation 2504495 (VCV002504495.1), dbSNP rs2549214679, ClinGen allele CA394696435.

ClinVar aggregate classification (germline): Uncertain significance (1 of 4 stars; one submission).

Submission:

GeneDx
Classification: Uncertain significance. Last evaluated: 2022-12-02. Review status: criteria provided, single submitter. Criteria: GeneDx Variant Classification Process June 2021. Collection method: clinical testing. Allele origin: germline. Affected: yes.
Comment: Not observed at significant frequency in large population cohorts (gnomAD); In silico analysis supports that this missense variant does not alter protein structure/function; Has not been previously published as pathogenic or benign to our knowledge